The following is an entry in ClinVar:

NM_002435.3(MPI):c.346G>T (p.Glu116Ter)

Gene: MPI (mannose phosphate isomerase; plus strand). Cytogenetic location: 15q24.1.
Variant type: single nucleotide variant.
Coding change: c.346G>T on transcript NM_002435.3 (MANE Select); coding-DNA position 346, G replaced by T.
Protein change: p.Glu116Ter; replaces glutamic acid 116 with a stop codon.
Molecular consequence: nonsense.
Genome position (GRCh38, 1-based): chr15:74,892,661, G>T. VCF-style: chr15-74892661-G-T. GRCh37 (hg19) VCF-style: chr15-75185002-G-T.
Other names: c.346G>T, p.Glu116Ter (NM_001289155.2, NM_001289157.2); c.196G>T, p.Glu66Ter (NM_001289156.2); c.286G>T, p.Glu96Ter (NM_001330372.2); short protein forms E116*, E66*, E96*.
Identifiers: ClinVar variation 5015491 (VCV005015491.1).

ClinVar aggregate classification (germline): Pathogenic (1 of 4 stars; one submission).

Conditions:
MPI-congenital disorder of glycosylation. Also called: CONGENITAL DISORDER OF GLYCOSYLATION, TYPE Ib; CDG Ib; MANNOSEPHOSPHATE ISOMERASE DEFICIENCY; MPI DEFICIENCY; PROTEIN-LOSING ENTEROPATHY-HEPATIC FIBROSIS SYNDROME; MPI-CDG. Identifiers: Orphanet 79319, MedGen C1865145, MONDO:0011257, OMIM 602579.

Submission:

Myriad Genetics, Inc.
Classification: Pathogenic for MPI-congenital disorder of glycosylation. Last evaluated: 2026-01-26. Review status: criteria provided, single submitter. Criteria: Myriad Autosomal Dominant, Autosomal Recessive and X-Linked Classification Criteria (2023). Collection method: clinical testing. Allele origin: unknown.
Comment: NM_002435.1(MPI):c.346G>T(E116*) is expected to be pathogenic in the context of congenital disorder of glycosylation, MPI-related. This variant is predicted to lead to an abnormal or absent protein product due to the creation of a premature termination codon in MPI, a gene where loss-of-function variants are known to be pathogenic. Please note: this variant was assessed in the context of healthy population screening.